The following is an entry in ClinVar:

NM_001127644.2(GABRA1):c.920T>C (p.Val307Ala)

Gene: GABRA1 (gamma-aminobutyric acid type A receptor subunit alpha1; plus strand). Cytogenetic location: 5q34.
Variant type: single nucleotide variant.
Coding change: c.920T>C on transcript NM_001127644.2 (MANE Select); coding-DNA position 920, T replaced by C.
Protein change: p.Val307Ala; replaces valine 307 with alanine.
Molecular consequence: missense variant.
Genome position (GRCh38, 1-based): chr5:161,895,729, T>C. VCF-style: chr5-161895729-T-C. GRCh37 (hg19) VCF-style: chr5-161322735-T-C.
Other names: c.920T>C, p.Val307Ala (NM_000806.5, NM_001127643.2, NM_001127645.2 and 1 more transcripts); short protein forms V307A.
Identifiers: ClinVar variation 655340 (VCV000655340.11), dbSNP rs1581220195, ClinGen allele CA362180198.

ClinVar aggregate classification (germline): Uncertain significance. Review status: criteria provided, multiple submitters, no conflicts (2 of 4 stars). 2 submissions from 2 submitters: Uncertain significance (2). Last evaluated 2023-08-22.

Conditions:
Epilepsy, idiopathic generalized, susceptibility to, 13. Also called: EPILEPSY, JUVENILE MYOCLONIC, SUSCEPTIBILITY TO, 5. Identifiers: Orphanet 307, Orphanet 64280, MedGen C4013473, MONDO:0012627, OMIM 611136.
Epilepsy, childhood absence 4 (ECA4). Also called: EPILEPSY, CHILDHOOD ABSENCE, SUSCEPTIBILITY TO, 4. Identifiers: Orphanet 307, MedGen C1970160.
Idiopathic generalized epilepsy. Also called: EIG; Generalised epilepsy. Identifiers: MedGen C0270850, MONDO:0005579, OMIM 600669.

Submissions (2):

GeneDx
Classification: Uncertain significance. Last evaluated: 2023-08-22. Review status: criteria provided, single submitter. Criteria: GeneDx Variant Classification Process June 2021. Collection method: clinical testing. Allele origin: germline. Affected: yes.
Comment: Not observed at significant frequency in large population cohorts (gnomAD); In silico analysis supports that this missense variant has a deleterious effect on protein structure/function; Has not been previously published as pathogenic or benign to our knowledge

Labcorp Genetics (formerly Invitae), Labcorp
Classification: Uncertain significance for Epilepsy, childhood absence 4; Epilepsy, idiopathic generalized, susceptibility to, 13; Idiopathic generalized epilepsy. Last evaluated: 2019-10-20. Review status: criteria provided, single submitter. Criteria: Invitae Variant Classification Sherloc (09022015). Collection method: clinical testing. Allele origin: germline.
Comment: In summary, the available evidence is currently insufficient to determine the role of this variant in disease. Therefore, it has been classified as a Variant of Uncertain Significance. Algorithms developed to predict the effect of missense changes on protein structure and function (SIFT, PolyPhen-2, Align-GVGD) all suggest that this variant is likely to be disruptive, but these predictions have not been confirmed by published functional studies and their clinical significance is uncertain. This variant has not been reported in the literature in individuals with GABRA1-related disease. This variant is not present in population databases (ExAC no frequency). This sequence change replaces valine with alanine at codon 307 of the GABRA1 protein (p.Val307Ala). The valine residue is highly conserved and there is a small physicochemical difference between valine and alanine.